The following is an entry in ClinVar:

ClinVar aggregate classification (germline): Uncertain significance (1 of 4 stars; one submission).

Conditions:
Glycogen storage disease, type V (GSD5). Also called: McArdle type glycogen storage disease; MCARDLE DISEASE; MUSCLE GLYCOGEN PHOSPHORYLASE DEFICIENCY; MYOPHOSPHORYLASE DEFICIENCY; PYGM DEFICIENCY. Identifiers: Orphanet 368, MedGen C0017924, MONDO:0009293, OMIM 232600.

Allele frequency attached by ClinVar (database versions not stated): gnomAD 0.00001; gnomAD exomes 0.00001; TOPMed 0.00003; ExAC 0.00004; ESP Exome Variant Server 0.00008.
gnomAD v4.1: 16 of 1,613,754 alleles (0.00099%); highest among the groups gnomAD compares: Admixed American, 0.013%; no homozygotes.

Submission:

Labcorp Genetics (formerly Invitae), Labcorp
Classification: Uncertain significance for Glycogen storage disease, type V. Last evaluated: 2025-02-17. Review status: criteria provided, single submitter. Criteria: Invitae Variant Classification Sherloc (09022015). Collection method: clinical testing. Allele origin: germline.
Comment: This sequence change replaces arginine, which is basic and polar, with histidine, which is basic and polar, at codon 311 of the PYGM protein (p.Arg311His). This variant is present in population databases (rs147851780, gnomAD 0.02%). This variant has not been reported in the literature in individuals affected with PYGM-related conditions. ClinVar contains an entry for this variant (Variation ID: 2077643). Invitae Evidence Modeling of protein sequence and biophysical properties (such as structural, functional, and spatial information, amino acid conservation, physicochemical variation, residue mobility, and thermodynamic stability) indicates that this missense variant is expected to disrupt PYGM protein function with a positive predictive value of 95%. In summary, the available evidence is currently insufficient to determine the role of this variant in disease. Therefore, it has been classified as a Variant of Uncertain Significance.

NM_005609.4(PYGM):c.932G>A (p.Arg311His)

Gene: PYGM (glycogen phosphorylase, muscle associated; minus strand). Cytogenetic location: 11q13.1.
Variant type: single nucleotide variant.
Coding change: c.932G>A on transcript NM_005609.4 (MANE Select); coding-DNA position 932, G replaced by A.
Protein change: p.Arg311His; replaces arginine 311 with histidine.
Molecular consequence: missense variant.
Genome position (GRCh38, 1-based): chr11:64,754,760, C>T on the plus strand (G>A on the coding strand, the complement: PYGM is on the minus strand). VCF-style: chr11-64754760-C-T. GRCh37 (hg19) VCF-style: chr11-64522232-C-T.
Other names: c.668G>A, p.Arg223His (NM_001164716.1); short protein forms R311H, R223H.
Identifiers: ClinVar variation 2077643 (VCV002077643.2), dbSNP rs147851780, ClinGen allele CA6080072.